The following is an entry in ClinVar:

NM_000060.4:c.1613G>T

Variant type: single nucleotide variant.
Other names: c.1613G>T (NM_000060.4).
Identifiers: ClinVar variation 4816000 (VCV004816000.1).

ClinVar aggregate classification (germline): Likely pathogenic (1 of 4 stars; one submission).

Conditions:
Biotinidase deficiency. Also called: BTD deficiency; Late-onset biotin-responsive multiple carboxylase deficiency; Biotin deficiency. Identifiers: Orphanet 79241, MedGen C0220754, MONDO:0009665, OMIM 253260.

Submission:

Natera, Inc.
Classification: Likely pathogenic for Biotinidase deficiency. Last evaluated: 2025-04-23. Review status: criteria provided, single submitter. Criteria: Natera Variant Classification Schema (03/2026). Collection method: clinical testing. Allele origin: germline.
Comment: The c.1613G>T variant in BTD is a missense variant predicted to cause substitution of arginine to leucine at amino acid 538. This variant is rare in the general population with a frequency below the threshold expected for the associated phenotype(s). This variant has been observed in one or more individuals affected with the associated recessive disease, as either homozygous or compound heterozygous with a second variant (PMID: 34136440). A different variant at the same position has been determined to be Pathogenic or Likely Pathogenic. Computational prediction algorithms indicate this variant is likely to affect gene or protein function. Given the available evidence, this variant is classified as Likely Pathogenic.

Literature cited by the submitters: PubMed 34136440.